The following is an entry in ClinVar:

NM_001035.3(RYR2):c.4488C>T (p.Pro1496=)

Gene: RYR2 (ryanodine receptor 2; plus strand). Cytogenetic location: 1q43.
Variant type: single nucleotide variant.
Coding change: c.4488C>T on transcript NM_001035.3 (MANE Select); coding-DNA position 4488, C replaced by T.
Protein change: p.Pro1496=; no amino-acid change (proline 1496 retained).
Molecular consequence: synonymous variant.
Genome position (GRCh38, 1-based): chr1:237,595,549, C>T. VCF-style: chr1-237595549-C-T. GRCh37 (hg19) VCF-style: chr1-237758849-C-T.
Other names: c.4488C>T, p.Pro1496= (LRG_402t1).
Identifiers: ClinVar variation 378488 (VCV000378488.19), dbSNP rs370082063, ClinGen allele CA086626.

ClinVar aggregate classification (germline): Benign/Likely benign. Review status: criteria provided, multiple submitters, no conflicts (2 of 4 stars). 6 submissions from 6 submitters: Benign (1); Likely benign (5). Last evaluated 2025-12-26.

Conditions:
Cardiomyopathy (CMYO). Also called: Cardiomyopathies. Identifiers: Orphanet 167848, MedGen C0878544, MONDO:0004994, HP:0001638. Inheritance: Various modes of inheritance.
Cardiovascular phenotype. Identifiers: MedGen CN230736.
Catecholaminergic polymorphic ventricular tachycardia (CVPT). Also called: Catecholamine-induced polymorphic ventricular tachycardia. Identifiers: Orphanet 3286, MedGen C5574922, MONDO:0017990.
Catecholaminergic polymorphic ventricular tachycardia 1. Also called: RYR2-Related Catecholaminergic Polymorphic Ventricular Tachycardia; VENTRICULAR TACHYCARDIA, CATECHOLAMINERGIC POLYMORPHIC, 1, WITH OR WITHOUT ATRIAL DYSFUNCTION AND/OR DILATED CARDIOMYOPATHY; VENTRICULAR TACHYCARDIA, STRESS-INDUCED POLYMORPHIC 1. Identifiers: Orphanet 3286, MedGen C1631597, MONDO:0011484, OMIM 604772.

Allele frequency attached by ClinVar (database versions not stated): ExAC 0.00002; gnomAD exomes 0.00004 and 0.00007; gnomAD 0.00005 and 0.00006; TOPMed 0.00005; 1000 Genomes Project 30x 0.00016; ESP Exome Variant Server 0.00016.
gnomAD v4.1: 109 of 1,613,562 alleles (0.0068%); highest among the groups gnomAD compares: Non-Finnish European, 0.0081%; no homozygotes.

Submissions (6):

Labcorp Genetics (formerly Invitae), Labcorp
Classification: Likely benign for Catecholaminergic polymorphic ventricular tachycardia 1. Last evaluated: 2025-12-26. Review status: criteria provided, single submitter. Criteria: Invitae Variant Classification Sherloc (09022015). Collection method: clinical testing. Allele origin: germline.

Blueprint Genetics
Classification: Likely benign. Last evaluated: 2023-12-22. Review status: criteria provided, single submitter. Criteria: ACMG Guidelines, 2015. Collection method: clinical testing. Allele origin: germline.

All of Us Research Program, National Institutes of Health
Classification: Likely benign for Catecholaminergic polymorphic ventricular tachycardia. Last evaluated: 2023-11-02. Review status: criteria provided, single submitter. Criteria: ACMG Guidelines, 2015. Collection method: clinical testing. Allele origin: germline. Inheritance: Autosomal dominant inheritance. Observed: 15 variant alleles, 15 heterozygotes.
Comment: This study involves interpretation of variants in research participants for the purpose of population health screening. Participant phenotype was not available at the time of variant classification. Additional details can be found in publication PMID: 35346344, PMCID: PMC8962531

Ambry Genetics
Classification: Likely benign for Cardiovascular phenotype. Last evaluated: 2019-08-20. Review status: criteria provided, single submitter. Criteria: Ambry Variant Classification Scheme 2023. Collection method: clinical testing. Allele origin: germline.

Color Diagnostics, LLC DBA Color Health
Classification: Likely benign for Cardiomyopathy. Last evaluated: 2018-10-17. Review status: criteria provided, single submitter. Criteria: ACMG Guidelines, 2015. Collection method: clinical testing. Allele origin: germline.

GeneDx
Classification: Benign. Last evaluated: 2015-08-11. Review status: criteria provided, single submitter. Criteria: GeneDx Variant Classification (06012015). Collection method: clinical testing. Allele origin: germline. Affected: yes.
Comment: This variant is considered likely benign or benign based on one or more of the following criteria: it is a conservative change, it occurs at a poorly conserved position in the protein, it is predicted to be benign by multiple in silico algorithms, and/or has population frequency not consistent with disease.